The following is an entry in ClinVar:

NM_001365999.1(SZT2):c.7718G>C (p.Ser2573Thr)

Gene: SZT2 (SZT2 subunit of KICSTOR complex; plus strand). Cytogenetic location: 1p34.2.
Variant type: single nucleotide variant.
Coding change: c.7718G>C on transcript NM_001365999.1 (MANE Select); coding-DNA position 7718, G replaced by C.
Protein change: p.Ser2573Thr; replaces serine 2573 with threonine.
Molecular consequence: missense variant.
Genome position (GRCh38, 1-based): chr1:43,441,794, G>C. VCF-style: chr1-43441794-G-C. GRCh37 (hg19) VCF-style: chr1-43907465-G-C.
Other names: c.7547G>C, p.Ser2516Thr (NM_015284.4); short protein forms S2573T, S2516T.
Identifiers: ClinVar variation 805603 (VCV000805603.8), dbSNP rs755325371, ClinGen allele CA810299.

ClinVar aggregate classification (germline): Uncertain significance. Review status: criteria provided, multiple submitters, no conflicts (2 of 4 stars). 3 submissions from 3 submitters: Uncertain significance (3). Last evaluated 2023-04-11.

Conditions:
Developmental and epileptic encephalopathy, 18 (DEE18). Also called: Early infantile epileptic encephalopathy 18. Identifiers: Orphanet 369894, MedGen C3809624, MONDO:0014201, OMIM 615476.

Allele frequency attached by ClinVar (database versions not stated): gnomAD exomes below 0.00001 and 0.00001; ExAC 0.00001; gnomAD 0.00001; TOPMed 0.00002.
gnomAD v4.1: 20 of 1,614,056 alleles (0.0012%); highest among the groups gnomAD compares: Non-Finnish European, 0.0017%; no homozygotes.

Submissions (3):

Genome-Nilou Lab
Classification: Uncertain significance for Developmental and epileptic encephalopathy, 18. Last evaluated: 2023-04-11. Review status: criteria provided, single submitter. Criteria: ACMG Guidelines, 2015. Collection method: clinical testing. Allele origin: germline. Affected: no.

Labcorp Genetics (formerly Invitae), Labcorp
Classification: Uncertain significance. Last evaluated: 2021-06-13. Review status: criteria provided, single submitter. Criteria: Invitae Variant Classification Sherloc (09022015). Collection method: clinical testing. Allele origin: germline.
Comment: In summary, the available evidence is currently insufficient to determine the role of this variant in disease. Therefore, it has been classified as a Variant of Uncertain Significance. Algorithms developed to predict the effect of missense changes on protein structure and function (SIFT, PolyPhen-2, Align-GVGD) all suggest that this variant is likely to be tolerated, but these predictions have not been confirmed by published functional studies and their clinical significance is uncertain. This variant has not been reported in the literature in individuals with SZT2-related conditions. ClinVar contains an entry for this variant (Variation ID: 805603). This variant is present in population databases (rs755325371, ExAC 0.001%). This sequence change replaces serine with threonine at codon 2516 of the SZT2 protein (p.Ser2516Thr). The serine residue is moderately conserved and there is a small physicochemical difference between serine and threonine.

Athena Diagnostics
Classification: Uncertain significance. Last evaluated: 2019-04-08. Review status: criteria provided, single submitter. Criteria: Athena Diagnostics Criteria. Collection method: clinical testing. Allele origin: germline.